The following is an entry in ClinVar:

ClinVar aggregate classification (germline): Likely pathogenic (3 of 4 stars; one submission).

Conditions:
Bernard Soulier syndrome (BSS). Also called: GLYCOPROTEIN Ib, PLATELET, DEFICIENCY OF; PLATELET GLYCOPROTEIN Ib DEFICIENCY; VON WILLEBRAND FACTOR RECEPTOR DEFICIENCY; Giant platelet syndrome; Hemorrhagiparous thrombocytic dystrophy; Giant platelet disease. Identifiers: Orphanet 274, MedGen C0005129, MeSH D001606, MONDO:0009276, OMIM 231200.

Submission:

ClinGen Platelet Disorders Variant Curation Expert Panel, ClinGen
Classification: Likely pathogenic for Bernard Soulier syndrome. Last evaluated: 2025-04-15. Review status: reviewed by expert panel. Criteria: ClinGen Platelet ACMG Specifications GP1BA V1.0.0. Collection method: curation. Allele origin: germline. Inheritance: Autosomal recessive inheritance.
Comment: The c.278dup (p.Val94Serfs*58) variant in GP1BA is a frameshift variant that may cause a premature stop codon that is predicted to escape nonsense mediated decay, however the truncation includes the functionally important transmembrane domain (removes amino acids 532-553) in a gene where loss-of-function is an established disease mechanism (PVS1_Strong). At least one patient (Patient BSS11.01 in PMID:23995613) with this variant had aggregation absent for ristocetin and present for all other agonists and less than 10% expression of GPIba measured by flow cytometry, which is highly specific for Bernard-Soulier syndrome. Additionally, the patient had excessive mucocutaneous bleeding and macrothrombocytopenia which are consistent with Bernard-Soulier syndrome (PP4). This variant is absent from gnomAD v4.1.0 (PM2_Supporting). In summary, this variant meets the criteria to be classified as Likely Pathogenic for autosomal recessive Bernard-Soulier syndrome based on the ACMG/AMP criteria applied, as specified by the ClinGen PD VCEP: PVS1_Strong, PP4, PM3_Supporting and PM2_Supporting (VCEP specifications version 1).

NM_000173.7(GP1BA):c.278dup (p.Val94fs)

Gene: GP1BA (glycoprotein Ib platelet subunit alpha; plus strand). Cytogenetic location: 17p13.2.
Variant type: Duplication.
Coding change: c.278dup on transcript NM_000173.7 (MANE Select); coding-DNA position 278, one base duplicated (C; older notation c.278dupC).
Protein change: p.Val94fs; shifts the reading frame from valine 94.
Molecular consequence: frameshift variant.
Genome position (GRCh38, 1-based): chr17:4,932,882, C duplicated; the last of 2 consecutive C bases (chr17:4,932,881-4,932,882); duplicating either gives the same sequence. VCF-style (leftmost placement, unchanged base first): chr17-4932880-G-GC. GRCh37 (hg19) VCF-style: chr17-4836175-G-GC.
Other names: NM_000173.7:c.278dup; short protein forms V94fs.
Identifiers: ClinVar variation 4087795 (VCV004087795.1).